The following is an entry in ClinVar:

NM_000161.3(GCH1):c.524A>T (p.Tyr175Phe)

Gene: GCH1 (GTP cyclohydrolase 1; minus strand). Cytogenetic location: 14q22.2.
Variant type: single nucleotide variant.
Coding change: c.524A>T on transcript NM_000161.3 (MANE Select); coding-DNA position 524, A replaced by T.
Protein change: p.Tyr175Phe; replaces tyrosine 175 with phenylalanine.
Molecular consequence: missense variant.
Genome position (GRCh38, 1-based): chr14:54,847,116, T>A on the plus strand (A>T on the coding strand, the complement: GCH1 is on the minus strand). VCF-style: chr14-54847116-T-A. GRCh37 (hg19) VCF-style: chr14-55313834-T-A.
Other names: c.524A>T, p.Tyr175Phe (NM_001024024.2, NM_001024070.2, NM_001024071.2); short protein forms Y175F.
Identifiers: ClinVar variation 576815 (VCV000576815.8), dbSNP rs781250171, ClinGen allele CA7193560.

ClinVar aggregate classification (germline): Uncertain significance. Review status: criteria provided, multiple submitters, no conflicts (2 of 4 stars). 3 submissions from 3 submitters: Uncertain significance (2). 1 of the submissions does not count toward it. Last evaluated 2025-08-19.

Conditions:
Inborn genetic diseases. Identifiers: MedGen C0950123, MeSH D030342.
Dystonia 5 (DRD). Also called: GTP Cyclohydrolase 1-Deficient Dopa-Responsive Dystonia; DYSTONIA, PROGRESSIVE, WITH DIURNAL VARIATION; DYSTONIA-PARKINSONISM WITH DIURNAL FLUCTUATION; Dystonia, DOPA-responsive, with or without hyperphenylalaninemia; DYT-GCH1. Identifiers: Orphanet 98808, MedGen C1851920, MONDO:0007495, OMIM 128230.
GTP cyclohydrolase I deficiency. Identifiers: MedGen C0268467, MONDO:0100184.
GCH1-related disorder. Also called: GCH1-related condition.

Allele frequency attached by ClinVar (database versions not stated): gnomAD 0.00001; ExAC 0.00002; TOPMed 0.00002; gnomAD exomes 0.00003.
gnomAD v4.1: 24 of 991,026 alleles (0.0024%); highest among the groups gnomAD compares: Non-Finnish European, 0.0036%; no homozygotes.

Submissions (3):

Ambry Genetics
Classification: Uncertain significance for Inborn genetic diseases. Last evaluated: 2025-08-19. Review status: criteria provided, single submitter. Criteria: Ambry Variant Classification Scheme 2023. Collection method: clinical testing. Allele origin: germline.

Labcorp Genetics (formerly Invitae), Labcorp
Classification: Uncertain significance for GTP cyclohydrolase I deficiency; Dystonia 5. Last evaluated: 2024-10-15. Review status: criteria provided, single submitter. Criteria: Invitae Variant Classification Sherloc (09022015). Collection method: clinical testing. Allele origin: germline.
Comment: This sequence change replaces tyrosine, which is neutral and polar, with phenylalanine, which is neutral and non-polar, at codon 175 of the GCH1 protein (p.Tyr175Phe). This variant is present in population databases (rs781250171, gnomAD 0.006%). This variant has not been reported in the literature in individuals affected with GCH1-related conditions. ClinVar contains an entry for this variant (Variation ID: 576815). Invitae Evidence Modeling of protein sequence and biophysical properties (such as structural, functional, and spatial information, amino acid conservation, physicochemical variation, residue mobility, and thermodynamic stability) indicates that this missense variant is not expected to disrupt GCH1 protein function with a negative predictive value of 80%. In summary, the available evidence is currently insufficient to determine the role of this variant in disease. Therefore, it has been classified as a Variant of Uncertain Significance.

PreventionGenetics, part of Exact Sciences
Classification: Uncertain significance for GCH1-related condition. Last evaluated: 2023-11-01. Review status: no assertion criteria provided. Collection method: clinical testing. Allele origin: germline. Not counted in ClinVar's aggregate classification.
Comment: The GCH1 c.524A>T variant is predicted to result in the amino acid substitution p.Tyr175Phe. To our knowledge, this variant has not been reported in the literature. This variant is reported in 0.0065% of alleles in individuals of European (Non-Finnish) descent in gnomAD. Of note, an alternate missense variant affecting this amino acid (p.Tyr175Cys) has been reported an individual with dopa-responsive dystonia (Zirn et al. 2008. PubMed ID: 17898029). At this time, the clinical significance of this variant is uncertain due to the absence of conclusive functional and genetic evidence.